The following is an entry in ClinVar:

NM_031844.3(HNRNPU):c.167G>A (p.Gly56Glu)

Gene: HNRNPU (heterogeneous nuclear ribonucleoprotein U; minus strand). Cytogenetic location: 1q44.
Variant type: single nucleotide variant.
Coding change: c.167G>A on transcript NM_031844.3 (MANE Select); coding-DNA position 167, G replaced by A.
Protein change: p.Gly56Glu; replaces glycine 56 with glutamic acid.
Molecular consequence: missense variant.
Genome position (GRCh38, 1-based): chr1:244,864,141, C>T on the plus strand (G>A on the coding strand, the complement: HNRNPU is on the minus strand). VCF-style: chr1-244864141-C-T. GRCh37 (hg19) VCF-style: chr1-245027443-C-T.
Other names: c.167G>A, p.Gly56Glu (NM_004501.3); short protein forms G56E.
Identifiers: ClinVar variation 4282051 (VCV004282051.1).

ClinVar aggregate classification (germline): Uncertain significance (1 of 4 stars; one submission).

Submission:

GeneDx
Classification: Uncertain significance. Last evaluated: 2025-04-09. Review status: criteria provided, single submitter. Criteria: GeneDx Variant Classification Process June 2021. Collection method: clinical testing. Allele origin: germline. Affected: yes.
Comment: Not observed at significant frequency in large population cohorts (gnomAD); In silico analysis indicates that this missense variant does not alter protein structure/function; Has not been previously published as pathogenic or benign to our knowledge